The following is an entry in ClinVar:

ClinVar aggregate classification (germline): Conflicting classifications of pathogenicity. Review status: criteria provided, conflicting classifications (1 of 4 stars). 2 submissions from 2 submitters: Uncertain significance (1); Likely benign (1). Last evaluated 2022-05-04.

Allele frequency attached by ClinVar (database versions not stated): gnomAD 0.00001 and 0.00002; gnomAD exomes 0.00002 and 0.00006; TOPMed 0.00003; ExAC 0.00009.
gnomAD v4.1: 31 of 1,611,758 alleles (0.0019%); highest among the groups gnomAD compares: Admixed American, 0.018%; no homozygotes.

Submissions (2):

Ambry Genetics
Classification: Likely benign. Last evaluated: 2022-05-04. Review status: criteria provided, single submitter. Criteria: Ambry Variant Classification Scheme 2023. Collection method: clinical testing. Allele origin: germline.

Labcorp Genetics (formerly Invitae), Labcorp
Classification: Uncertain significance. Last evaluated: 2021-11-10. Review status: criteria provided, single submitter. Criteria: Invitae Variant Classification Sherloc (09022015). Collection method: clinical testing. Allele origin: germline.
Comment: In summary, the available evidence is currently insufficient to determine the role of this variant in disease. Therefore, it has been classified as a Variant of Uncertain Significance. Algorithms developed to predict the effect of missense changes on protein structure and function output the following: SIFT: "Tolerated"; PolyPhen-2: "Benign"; Align-GVGD: "Class C0". The isoleucine amino acid residue is found in multiple mammalian species, which suggests that this missense change does not adversely affect protein function. This variant has not been reported in the literature in individuals affected with SBF1-related conditions. This variant is present in population databases (rs765101409, gnomAD 0.04%). This sequence change replaces valine, which is neutral and non-polar, with isoleucine, which is neutral and non-polar, at codon 388 of the SBF1 protein (p.Val388Ile).

NM_002972.4(SBF1):c.1162G>A (p.Val388Ile)

Gene: SBF1 (SET binding factor 1; minus strand). Cytogenetic location: 22q13.33.
Variant type: single nucleotide variant.
Coding change: c.1162G>A on transcript NM_002972.4 (MANE Select); coding-DNA position 1162, G replaced by A.
Protein change: p.Val388Ile; replaces valine 388 with isoleucine.
Molecular consequence: missense variant.
Genome position (GRCh38, 1-based): chr22:50,465,256, C>T on the plus strand (G>A on the coding strand, the complement: SBF1 is on the minus strand). VCF-style: chr22-50465256-C-T. GRCh37 (hg19) VCF-style: chr22-50903685-C-T.
Other names: c.1165G>A, p.Val389Ile (NM_001365819.1); c.1162G>A (NM_002972.2); short protein forms V389I, V388I.
Identifiers: ClinVar variation 1411650 (VCV001411650.7), dbSNP rs765101409, ClinGen allele CA10317803.
Genomic context (GRCh38, chr22:50,465,256, plus strand): 5'-CAGCCACCAGGCACCCCACCTTATGGAAGCGGATGACAGGCTCCGGGTGGATGCGCACGA[C>T]GTGCAGGCACCAGCGATAGCCCTGCAGCAGCTGAGCGAACAGCCGCAGGAAGACCGCGCG-3'
Protein context (NP_002963.2, residues 378-398): LLQGYRWCLH[Val388Ile]VRIHPEPVIR